The following is an entry in ClinVar:

ClinVar aggregate classification (germline): Uncertain significance (1 of 4 stars; one submission).

gnomAD v4.1: 3 of 1,572,748 alleles (0.00019%); highest among the groups gnomAD compares: Non-Finnish European, 0.00026%; no homozygotes.

Submission:

Labcorp Genetics (formerly Invitae), Labcorp
Classification: Uncertain significance. Last evaluated: 2025-02-19. Review status: criteria provided, single submitter. Criteria: Invitae Variant Classification Sherloc (09022015). Collection method: clinical testing. Allele origin: germline.
Comment: This sequence change replaces leucine, which is neutral and non-polar, with serine, which is neutral and polar, at codon 432 of the TNNI3K protein (p.Leu432Ser). This variant is not present in population databases (gnomAD no frequency). This variant has not been reported in the literature in individuals affected with TNNI3K-related conditions. Invitae Evidence Modeling of protein sequence and biophysical properties (such as structural, functional, and spatial information, amino acid conservation, physicochemical variation, residue mobility, and thermodynamic stability) indicates that this missense variant is not expected to disrupt TNNI3K protein function with a negative predictive value of 80%. In summary, the available evidence is currently insufficient to determine the role of this variant in disease. Therefore, it has been classified as a Variant of Uncertain Significance.

NM_015978.3(TNNI3K):c.1295T>C (p.Leu432Ser)

Genes: TNNI3K (TNNI3 interacting kinase; plus strand), FPGT-TNNI3K (FPGT-TNNI3K readthrough; plus strand). Cytogenetic location: 1p31.1.
Variant type: single nucleotide variant.
Coding change: c.1295T>C on transcript NM_015978.3 (MANE Select); coding-DNA position 1295, T replaced by C.
Protein change: p.Leu432Ser; replaces leucine 432 with serine.
Molecular consequence: missense variant.
Genome position (GRCh38, 1-based): chr1:74,367,938, T>C. VCF-style: chr1-74367938-T-C. GRCh37 (hg19) VCF-style: chr1-74833622-T-C.
Other names: c.1598T>C, p.Leu533Ser (NM_001112808.3, NM_001199327.2); short protein forms L432S, L533S.
Identifiers: ClinVar variation 4743459 (VCV004743459.1).